The following is an entry in ClinVar:

ClinVar aggregate classification (germline): Uncertain significance (1 of 4 stars; one submission).

Conditions:
Familial isolated arrhythmogenic right ventricular dysplasia. Identifiers: Orphanet 217656, MedGen C4274968, MONDO:0016342.

Submission:

All of Us Research Program, National Institutes of Health
Classification: Uncertain significance for Familial isolated arrhythmogenic right ventricular dysplasia. Last evaluated: 2024-02-05. Review status: criteria provided, single submitter. Criteria: ACMG Guidelines, 2015. Collection method: clinical testing. Allele origin: germline. Inheritance: Autosomal dominant inheritance. Observed: 1 variant allele, 1 heterozygote.
Comment: This missense variant replaces alanine with serine at codon 744 of the DSC2 protein. Computational prediction suggests that this variant may not impact protein structure and function (internally defined REVEL score threshold <= 0.5, PMID: 27666373). To our knowledge, functional studies have not been reported for this variant. This variant has not been reported in individuals affected with DSC2-related disorders in the literature. This variant has not been identified in the general population by the Genome Aggregation Database (gnomAD). The available evidence is insufficient to determine the role of this variant in disease conclusively. Therefore, this variant is classified as a Variant of Uncertain Significance.

This study involves interpretation of variants in research participants for the purpose of population health screening. Participant phenotype was not available at the time of variant classification. Additional details can be found in publication PMID: 35346344, PMCID: PMC8962531

NM_024422.6(DSC2):c.2230G>T (p.Ala744Ser)

Gene: DSC2 (desmocollin 2; minus strand). Cytogenetic location: 18q12.1.
Variant type: single nucleotide variant.
Coding change: c.2230G>T on transcript NM_024422.6 (MANE Select); coding-DNA position 2230, G replaced by T.
Protein change: p.Ala744Ser; replaces alanine 744 with serine.
Molecular consequence: missense variant.
Genome position (GRCh38, 1-based): chr18:31,070,746, C>A on the plus strand (G>T on the coding strand, the complement: DSC2 is on the minus strand). VCF-style: chr18-31070746-C-A. GRCh37 (hg19) VCF-style: chr18-28650712-C-A.
Other names: c.1801G>T, p.Ala601Ser (NM_001406506.1, NM_001406507.1); c.2230G>T, p.Ala744Ser (NM_004949.5); short protein forms A601S, A744S.
Identifiers: ClinVar variation 3075452 (VCV003075452.1), dbSNP rs1986795888, ClinGen allele CA402112347.